The following is an entry in ClinVar:

ClinVar aggregate classification (germline): Uncertain significance (1 of 4 stars; one submission).

Submission:

Labcorp Genetics (formerly Invitae), Labcorp
Classification: Uncertain significance. Last evaluated: 2024-05-16. Review status: criteria provided, single submitter. Criteria: Invitae Variant Classification Sherloc (09022015). Collection method: clinical testing. Allele origin: germline.
Comment: This sequence change affects the initiator methionine of the LYN mRNA. The next in-frame methionine is located at codon 90. This variant is not present in population databases (gnomAD no frequency). This variant has not been reported in the literature in individuals affected with LYN-related conditions. Experimental studies and prediction algorithms are not available or were not evaluated, and the functional significance of this variant is currently unknown. In summary, the available evidence is currently insufficient to determine the role of this variant in disease. Therefore, it has been classified as a Variant of Uncertain Significance.

NM_002350.4(LYN):c.2T>C (p.Met1Thr)

Gene: LYN (LYN proto-oncogene, Src family tyrosine kinase; plus strand). Cytogenetic location: 8q12.1.
Variant type: single nucleotide variant.
Coding change: c.2T>C on transcript NM_002350.4 (MANE Select); coding-DNA position 2, T replaced by C.
Protein change: p.Met1Thr; changes the start codon (methionine 1).
Molecular consequence: missense variant, initiator codon variant.
Genome position (GRCh38, 1-based): chr8:55,941,861, T>C. VCF-style: chr8-55941861-T-C. GRCh37 (hg19) VCF-style: chr8-56854420-T-C.
Other names: c.2T>C, p.Met1Thr (NM_001111097.3); short protein forms M1T.
Identifiers: ClinVar variation 3649965 (VCV003649965.2).